The following is an entry in ClinVar:

NM_000388.4(CASR):c.2080T>C (p.Cys694Arg)

Gene: CASR (calcium sensing receptor; plus strand). Cytogenetic location: 3q21.1.
Variant type: single nucleotide variant.
Coding change: c.2080T>C on transcript NM_000388.4 (MANE Select); coding-DNA position 2080, T replaced by C.
Protein change: p.Cys694Arg; replaces cysteine 694 with arginine.
Molecular consequence: missense variant.
Genome position (GRCh38, 1-based): chr3:122,284,034, T>C. VCF-style: chr3-122284034-T-C. GRCh37 (hg19) VCF-style: chr3-122002881-T-C.
Other names: c.2110T>C, p.Cys704Arg (NM_001178065.2); short protein forms C694R, C704R.
Identifiers: ClinVar variation 1785562 (VCV001785562.3), dbSNP rs2473277810, ClinGen allele CA354158448.
Genomic context (GRCh38, chr3:122,284,034, plus strand): 5'-GACTGGACGTGCCGCCTGCGCCAGCCGGCCTTTGGCATCAGCTTCGTGCTCTGCATCTCA[T>C]GCATCCTGGTGAAAACCAACCGTGTCCTCCTGGTGTTTGAGGCCAAGATCCCCACCAGCT-3'
Protein context (NP_000379.3, residues 684-704): FGISFVLCIS[Cys694Arg]ILVKTNRVLL

ClinVar aggregate classification (germline): Uncertain significance. Review status: criteria provided, single submitter (1 of 4 stars). 2 submissions from 2 submitters: Uncertain significance (1). 1 of the submissions does not count toward it. Last evaluated 2022-05-30.

Conditions:
Familial hypocalciuric hypercalcemia 1. Also called: Hypercalcemia, familial benign type 1. Identifiers: Orphanet 405, Orphanet 93372, MedGen C0342637, MONDO:0007791, OMIM 145980.
Nephrolithiasis/nephrocalcinosis. Identifiers: MedGen CN580796.

Submissions (2):

Ambry Genetics
Classification: Uncertain significance for Nephrolithiasis/nephrocalcinosis. Last evaluated: 2022-05-30. Review status: criteria provided, single submitter. Criteria: Ambry Variant Classification Scheme 2023. Collection method: clinical testing. Allele origin: germline.
Comment: The p.C694R variant (also known as c.2080T>C), located in coding exon 6 of the CASR gene, results from a T to C substitution at nucleotide position 2080. The cysteine at codon 694 is replaced by arginine, an amino acid with highly dissimilar properties. This amino acid position is conserved. In addition, this alteration is predicted to be deleterious by in silico analysis. Since supporting evidence is limited at this time, the clinical significance of this alteration remains unclear.

Cardiovascular Genetics Laboratory, PathWest Laboratory Medicine WA - Fiona Stanley Hospital
Classification: Pathogenic for Familial hypocalciuric hypercalcemia 1. Last evaluated: 2024-03-26. Review status: no assertion criteria provided. Criteria: ACMG Guidelines, 2015. Collection method: clinical testing. Allele origin: germline. Affected: yes. Not counted in ClinVar's aggregate classification.